The following is an entry in ClinVar:

ClinVar aggregate classification (germline): Uncertain significance (1 of 4 stars; one submission).

Conditions:
Inborn genetic diseases. Identifiers: MedGen C0950123, MeSH D030342.

Submission:

Ambry Genetics
Classification: Uncertain significance for Inborn genetic diseases. Last evaluated: 2025-01-19. Review status: criteria provided, single submitter. Criteria: Ambry Variant Classification Scheme 2023. Collection method: clinical testing. Allele origin: germline.
Comment: The p.C934S variant (also known as c.2800T>A), located in coding exon 28 of the RTEL1 gene, results from a T to A substitution at nucleotide position 2800. The cysteine at codon 934 is replaced by serine, an amino acid with dissimilar properties. This amino acid position is conserved. In addition, this alteration is predicted to be tolerated by in silico analysis. Based on the available evidence, the clinical significance of this variant remains unclear.

NM_001283009.2(RTEL1):c.2800T>A (p.Cys934Ser)

Genes: RTEL1 (regulator of telomere elongation helicase 1; plus strand), RTEL1-TNFRSF6B (RTEL1-TNFRSF6B readthrough (NMD candidate); plus strand). Cytogenetic location: 20q13.33.
Variant type: single nucleotide variant.
Coding change: c.2800T>A on transcript NM_001283009.2 (MANE Select); coding-DNA position 2800, T replaced by A.
Protein change: p.Cys934Ser; replaces cysteine 934 with serine.
Molecular consequence: missense variant. On other transcripts: non-coding transcript variant (1).
Genome position (GRCh38, 1-based): chr20:63,692,952, T>A. VCF-style: chr20-63692952-T-A. GRCh37 (hg19) VCF-style: chr20-62324305-T-A.
Other names: c.2131T>A, p.Cys711Ser (NM_001283010.1); c.2800T>A, p.Cys934Ser (NM_016434.4); c.2872T>A, p.Cys958Ser (NM_032957.5); short protein forms C958S, C934S, C711S.
Identifiers: ClinVar variation 3791077 (VCV003791077.1).
Genomic context (GRCh38, chr20:63,692,952, plus strand): 5'-ACCTTCACCCAGGCCCTGCAGGACTACAAGGGTTCCGATGACTTCGCCGCCCTGGCCGCC[T>A]GTCTCGGCCCCCTCTTTGCTGAGGACCCCAAGAAGCACAACCTGCTCCAAGGTGCCCTGG-3'
Protein context (NP_001269938.1, residues 924-944): GSDDFAALAA[Cys934Ser]LGPLFAEDPK